The following is an entry in ClinVar:

ClinVar aggregate classification (germline): Benign (1 of 4 stars; one submission).

Allele frequency attached by ClinVar (database versions not stated): gnomAD exomes 0.39110; 1000 Genomes Project 0.46685; gnomAD 0.47623 and 0.48473; 1000 Genomes Project 30x 0.47658; TOPMed 0.49895.
gnomAD v4.1: 280,894 of 683,516 alleles (41%); highest among the groups gnomAD compares: African/African-American, 71%; 62,215 homozygotes.

Submission:

GeneDx
Classification: Benign. Last evaluated: 2018-06-19. Review status: criteria provided, single submitter. Criteria: GeneDx Variant Classification (06012015). Collection method: clinical testing. Allele origin: germline. Affected: yes.
Comment: This variant is considered likely benign or benign based on one or more of the following criteria: it is a conservative change, it occurs at a poorly conserved position in the protein, it is predicted to be benign by multiple in silico algorithms, and/or has population frequency not consistent with disease.

NM_001370298.3(FGD4):c.1248-149T>G

Gene: FGD4 (FYVE, RhoGEF and PH domain containing 4; plus strand). Cytogenetic location: 12p11.21.
Variant type: single nucleotide variant.
Coding change: c.1248-149T>G on transcript NM_001370298.3 (MANE Select); 149 bases into the intron before coding-DNA position 1248, T replaced by G.
Molecular consequence: intron variant.
Genome position (GRCh38, 1-based): chr12:32,602,012, T>G. VCF-style: chr12-32602012-T-G. GRCh37 (hg19) VCF-style: chr12-32754946-T-G.
Other names: c.1248-149T>G (NM_001384126.1); c.1092-149T>G (NM_001304481.2); c.558-149T>G (NM_001330374.2, NM_001330373.2, NM_001384130.1); c.837-149T>G (NM_139241.3, NM_001384127.1, NM_001385118.1 and 1 more transcripts); c.-215-149T>G (NM_001304484.2); c.285-149T>G (NM_001370297.1); c.93-149T>G (NM_001304483.2).
Identifiers: ClinVar variation 670478 (VCV000670478.1), dbSNP rs4931640, ClinGen allele CA13618338.